The following is an entry in ClinVar:

ClinVar aggregate classification (germline): Uncertain significance (1 of 4 stars; one submission).

Conditions:
Dyskeratosis congenita. Identifiers: Orphanet 1775, MedGen C0265965, MONDO:0015780.

gnomAD v4.1: 25 of 1,613,996 alleles (0.0015%); highest among the groups gnomAD compares: South Asian, 0.0055%; no homozygotes.

Submission:

Labcorp Genetics (formerly Invitae), Labcorp
Classification: Uncertain significance for Dyskeratosis congenita. Last evaluated: 2025-10-14. Review status: criteria provided, single submitter. Criteria: Invitae Variant Classification Sherloc (09022015). Collection method: clinical testing. Allele origin: germline.
Comment: This sequence change replaces cysteine, which is neutral and slightly polar, with arginine, which is basic and polar, at codon 378 of the TINF2 protein (p.Cys378Arg). This variant is present in population databases (no rsID available, gnomAD 0.003%). This variant has not been reported in the literature in individuals affected with TINF2-related conditions. An algorithm developed to predict the effect of missense changes on protein structure and function outputs the following: PolyPhen-2: "Possibly Damaging". The arginine amino acid residue is found in multiple mammalian species, which suggests that this missense change does not adversely affect protein function. In summary, the available evidence is currently insufficient to determine the role of this variant in disease. Therefore, it has been classified as a Variant of Uncertain Significance.

NM_001099274.3(TINF2):c.1132T>C (p.Cys378Arg)

Gene: TINF2 (TERF1 interacting nuclear factor 2; minus strand). Cytogenetic location: 14q12.
Variant type: single nucleotide variant.
Coding change: c.1132T>C on transcript NM_001099274.3 (MANE Select); coding-DNA position 1132, T replaced by C.
Protein change: p.Cys378Arg; replaces cysteine 378 with arginine.
Molecular consequence: missense variant. On other transcripts: 3 prime UTR variant (1).
Genome position (GRCh38, 1-based): chr14:24,240,153, A>G on the plus strand (T>C on the coding strand, the complement: TINF2 is on the minus strand). VCF-style: chr14-24240153-A-G. GRCh37 (hg19) VCF-style: chr14-24709359-A-G.
Other names: c.1027T>C, p.Cys343Arg (NM_001363668.2); c.*262T>C (NM_012461.3); short protein forms C343R, C378R.
Identifiers: ClinVar variation 4752694 (VCV004752694.1).